The following is an entry in ClinVar:

NM_181882.3(PRX):c.4058A>C (p.Glu1353Ala)

Gene: PRX (periaxin; minus strand). Cytogenetic location: 19q13.2.
Variant type: single nucleotide variant.
Coding change: c.4058A>C on transcript NM_181882.3 (MANE Select); coding-DNA position 4058, A replaced by C.
Protein change: p.Glu1353Ala; replaces glutamic acid 1353 with alanine.
Molecular consequence: missense variant. On other transcripts: 3 prime UTR variant (1).
Genome position (GRCh38, 1-based): chr19:40,394,294, T>G on the plus strand (A>C on the coding strand, the complement: PRX is on the minus strand). VCF-style: chr19-40394294-T-G. GRCh37 (hg19) VCF-style: chr19-40900201-T-G.
Other names: c.*4263A>C (NM_020956.2); short protein forms E1353A.
Identifiers: ClinVar variation 543313 (VCV000543313.8), dbSNP rs1555800424, ClinGen allele CA405891028.
Genomic context (GRCh38, chr19:40,394,294, plus strand): 5'-CGGCCCCGGCGACCCGAGGCCCCTTCCCCACTGCCCTCTTCCTCCTCCTCCTCCTCCTCC[T>G]CGGGGCTGGGGGACCCTTCCCCAGTGACCATCTCACTTTGGCTGAAGCCCACTCGGGGCA-3'
Protein context (NP_870998.2, residues 1343-1363): MVTGEGSPSP[Glu1353Ala]EEEEEEEEGS

ClinVar aggregate classification (germline): Uncertain significance (1 of 4 stars; one submission).

Conditions:
Charcot-Marie-Tooth disease type 4. Also called: Charcot-Marie-Tooth, Type 4; Charcot-Marie-Tooth disease, type IV. Identifiers: Orphanet 64749, MedGen C4082197, MONDO:0018995.

Submission:

Labcorp Genetics (formerly Invitae), Labcorp
Classification: Uncertain significance for Charcot-Marie-Tooth disease type 4. Last evaluated: 2017-10-25. Review status: criteria provided, single submitter. Criteria: Invitae Variant Classification Sherloc (09022015). Collection method: clinical testing. Allele origin: germline.
Comment: This variant has not been reported in the literature in individuals with PRX-related disease. This variant is not present in population databases (ExAC no frequency). This sequence change replaces glutamic acid with alanine at codon 1353 of the PRX protein (p.Glu1353Ala). The glutamic acid residue is weakly conserved and there is a moderate physicochemical difference between glutamic acid and alanine. Algorithms developed to predict the effect of missense changes on protein structure and function do not agree on the potential impact of this missense change (SIFT: "Tolerated"; PolyPhen-2: "Possibly Damaging"; Align-GVGD: "Class C0"). In summary, the available evidence is currently insufficient to determine the role of this variant in disease. Therefore, it has been classified as a Variant of Uncertain Significance.